The following is an entry in ClinVar:

ClinVar aggregate classification (germline): Pathogenic/Likely pathogenic. Review status: criteria provided, multiple submitters, no conflicts (2 of 4 stars). 4 submissions from 4 submitters: Pathogenic (1); Likely pathogenic (2). 1 of the submissions does not count toward it. Last evaluated 2025-06-26.

Conditions:
Epilepsy, familial focal, with variable foci 2 (FFEVF2). Identifiers: MedGen C4310709, MONDO:0014924, OMIM 617116.

Allele frequency attached by ClinVar (database versions not stated): gnomAD exomes below 0.00001.

Submissions (4):

GeneDx
Classification: Likely pathogenic. Last evaluated: 2025-06-26. Review status: criteria provided, single submitter. Criteria: GeneDx Variant Classification Process June 2021. Collection method: clinical testing. Allele origin: germline. Affected: yes.
Comment: Identified in an individual with seizures in published literature (PMID: 35253369); Functional studies demonstrate a truncated protein was observed by Western blot in cells overexpressing p.(R295*) (PMID: 31639411); Not observed at significant frequency in large population cohorts (gnomAD); This variant is associated with the following publications: (PMID: 30093711, 31639411, 35253369, 35731010, 26505888, Zhu2024[preprint])

Center of Human Genetics, Hôpital Erasme
Classification: Likely pathogenic for Epilepsy, familial focal, with variable foci 2. Last evaluated: 2025-01-01. Review status: criteria provided, single submitter. Criteria: ACMG Guidelines, 2015. Collection method: clinical testing. Allele origin: inherited. Affected: yes.

3billion
Classification: Pathogenic for Epilepsy, familial focal, with variable foci 2. Last evaluated: 2024-01-09. Review status: criteria provided, single submitter. Criteria: ACMG Guidelines, 2015. Collection method: clinical testing. Allele origin: germline. Affected: yes.
Comment: The variant is not observed in the gnomAD v2.1.1 dataset. Predicted Consequence/Location: Stop-gained (nonsense): predicted to result in a loss or disruption of normal protein function through nonsense-mediated decay (NMD) or protein truncation. Multiple pathogenic variants are reported downstream of the variant. The variant has been reported to be associated with NPRL2-related disorder (ClinVar ID: VCV000254363 /PMID: 26505888). Therefore, this variant is classified as Likely Pathogenic according to the recommendation of ACMG/AMP guideline.

OMIM
Classification: Pathogenic for EPILEPSY, FAMILIAL FOCAL, WITH VARIABLE FOCI 2. Last evaluated: 2016-09-21. Review status: no assertion criteria provided. Collection method: literature only. Allele origin: germline. Not counted in ClinVar's aggregate classification.

Literature cited by the submitters: PubMed 26505888 (cited by 3billion and OMIM).

NM_006545.5(NPRL2):c.883C>T (p.Arg295Ter)

Gene: NPRL2 (NPR2 like, GATOR1 complex subunit; minus strand). Cytogenetic location: 3p21.31.
Variant type: single nucleotide variant.
Coding change: c.883C>T on transcript NM_006545.5 (MANE Select); coding-DNA position 883, C replaced by T.
Protein change: p.Arg295Ter; replaces arginine 295 with a stop codon.
Molecular consequence: nonsense.
Genome position (GRCh38, 1-based): chr3:50,348,173, G>A on the plus strand (C>T on the coding strand, the complement: NPRL2 is on the minus strand). VCF-style: chr3-50348173-G-A. GRCh37 (hg19) VCF-style: chr3-50385604-G-A.
Other names: short protein forms R295*.
Identifiers: ClinVar variation 254363 (VCV000254363.5), dbSNP rs886037964, ClinGen allele CA10586476.
Genomic context (GRCh38, chr3:50,348,173, plus strand): 5'-TCTCCTCTGACCGTTCATCAACATGCTGCAGCTGCTGGGGGTGGCGGCCAATGAGGTCTC[G>A]CACGGTAGTGCCAGGGCTCAGGCTGCAGTATAGCTGGAACACATCCCGGAGACTGGCCCT-3'